The following is an entry in ClinVar:

ClinVar aggregate classification (germline): Uncertain significance (1 of 4 stars; one submission).

Submission:

Labcorp Genetics (formerly Invitae), Labcorp
Classification: Uncertain significance. Last evaluated: 2026-01-08. Review status: criteria provided, single submitter. Criteria: Invitae Variant Classification Sherloc (09022015). Collection method: clinical testing. Allele origin: germline.
Comment: This sequence change replaces aspartic acid, which is acidic and polar, with tyrosine, which is neutral and polar, at codon 409 of the LIPC protein (p.Asp409Tyr). This variant is not present in population databases (gnomAD no frequency). This variant has not been reported in the literature in individuals affected with LIPC-related conditions. Invitae Evidence Modeling of protein sequence and biophysical properties (such as structural, functional, and spatial information, amino acid conservation, physicochemical variation, residue mobility, and thermodynamic stability) has been performed for this missense variant. However, the output from this modeling did not meet the statistical confidence thresholds required to predict the impact of this variant on LIPC protein function. In summary, the available evidence is currently insufficient to determine the role of this variant in disease. Therefore, it has been classified as a Variant of Uncertain Significance.

NM_000236.3(LIPC):c.1225G>T (p.Asp409Tyr)

Gene: LIPC (lipase C, hepatic type; plus strand). Cytogenetic location: 15q21.3.
Variant type: single nucleotide variant.
Coding change: c.1225G>T on transcript NM_000236.3 (MANE Select); coding-DNA position 1225, G replaced by T.
Protein change: p.Asp409Tyr; replaces aspartic acid 409 with tyrosine.
Molecular consequence: missense variant.
Genome position (GRCh38, 1-based): chr15:58,563,560, G>T. VCF-style: chr15-58563560-G-T. GRCh37 (hg19) VCF-style: chr15-58855759-G-T.
Other names: short protein forms D409Y.
Identifiers: ClinVar variation 4765141 (VCV004765141.1).